The following is an entry in ClinVar:

NM_000138.5(FBN1):c.6682T>G (p.Tyr2228Asp)

Gene: FBN1 (fibrillin 1; minus strand). Cytogenetic location: 15q21.1.
Variant type: single nucleotide variant.
Coding change: c.6682T>G on transcript NM_000138.5 (MANE Select); coding-DNA position 6682, T replaced by G.
Protein change: p.Tyr2228Asp; replaces tyrosine 2228 with aspartic acid.
Molecular consequence: missense variant.
Genome position (GRCh38, 1-based): chr15:48,432,923, A>C on the plus strand (T>G on the coding strand, the complement: FBN1 is on the minus strand). VCF-style: chr15-48432923-A-C. GRCh37 (hg19) VCF-style: chr15-48725120-A-C.
Other names: c.6682T>G, p.Tyr2228Asp (NM_001406716.1); short protein forms Y2228D.
Identifiers: ClinVar variation 1754862 (VCV001754862.3), dbSNP rs2505424977, ClinGen allele CA392333459.

ClinVar aggregate classification (germline): Uncertain significance (1 of 4 stars; one submission).

Conditions:
Familial thoracic aortic aneurysm and aortic dissection (TAAD). Also called: Thoracic aortic aneurysms and dissections. Identifiers: Orphanet 91387, MedGen C4707243, MONDO:0019625.

Submission:

Ambry Genetics
Classification: Uncertain significance for Familial thoracic aortic aneurysm and aortic dissection. Last evaluated: 2026-01-20. Review status: criteria provided, single submitter. Criteria: Ambry Variant Classification Scheme 2023. Collection method: clinical testing. Allele origin: germline.
Comment: The p.Y2228D variant (also known as c.6682T>G), located in coding exon 54 of the FBN1 gene, results from a T to G substitution at nucleotide position 6682. The tyrosine at codon 2228 is replaced by aspartic acid, an amino acid with highly dissimilar properties. This variant alters a conserved residue in the calcium-binding consensus sequence of a cbEGF domain and is expected to disrupt FBN1 function (Handford PA et al. Nature. 1991; 351(6322):164-7.) This amino acid position is highly conserved in available vertebrate species. In addition, this alteration is predicted to be deleterious by in silico analysis. Based on the available evidence, the clinical significance of this variant remains unclear.